The following is an entry in ClinVar:

NM_001378969.1(KCND3):c.669G>C (p.Ser223=)

Gene: KCND3 (potassium voltage-gated channel subfamily D member 3; minus strand). Cytogenetic location: 1p13.2.
Variant type: single nucleotide variant.
Coding change: c.669G>C on transcript NM_001378969.1 (MANE Select); coding-DNA position 669, G replaced by C.
Protein change: p.Ser223=; no amino-acid change (serine 223 retained).
Molecular consequence: synonymous variant.
Genome position (GRCh38, 1-based): chr1:111,982,058, C>G on the plus strand (G>C on the coding strand, the complement: KCND3 is on the minus strand). VCF-style: chr1-111982058-C-G. GRCh37 (hg19) VCF-style: chr1-112524680-C-G.
Other names: p.Ser223=; c.669G>C, p.Ser223= (NM_001378970.1, NM_004980.5, NM_172198.3).
Identifiers: ClinVar variation 240084 (VCV000240084.24), dbSNP rs17215423, ClinGen allele CA1007568.

ClinVar aggregate classification (germline): Benign/Likely benign. Review status: criteria provided, multiple submitters, no conflicts (2 of 4 stars). 11 submissions from 11 submitters: Benign (7); Likely benign (2). 2 of the submissions do not count toward it. Last evaluated 2026-02-01.

Conditions:
Cardiovascular phenotype. Identifiers: MedGen CN230736.
Brugada syndrome 9 (BRGDA9). Identifiers: Orphanet 130, MedGen C4225340, MONDO:0014621, OMIM 616399.
Spinocerebellar ataxia type 19/22 (SCA19). Also called: SPINOCEREBELLAR ATAXIA 22; SPINOCEREBELLAR ATAXIA 19. Identifiers: Orphanet 98772, MedGen C1846367, MONDO:0011819, OMIM 607346.

Allele frequency attached by ClinVar (database versions not stated): 1000 Genomes Project 30x 0.00796; 1000 Genomes Project 0.00819; TOPMed 0.01313; ESP Exome Variant Server 0.01384; gnomAD 0.01872.
gnomAD v4.1: 30,702 of 1,613,706 alleles (1.9%); highest among the groups gnomAD compares: Non-Finnish European, 2.3%; 348 homozygotes.

Submissions (11):

Labcorp Genetics (formerly Invitae), Labcorp
Classification: Benign for Spinocerebellar ataxia type 19/22. Last evaluated: 2026-02-01. Review status: criteria provided, single submitter. Criteria: Invitae Variant Classification Sherloc (09022015). Collection method: clinical testing. Allele origin: germline.

Blueprint Genetics
Classification: Likely benign. Last evaluated: 2024-11-21. Review status: criteria provided, single submitter. Criteria: ACMG Guidelines, 2015. Collection method: clinical testing. Allele origin: germline.

Mayo Clinic Laboratories, Mayo Clinic
Classification: Benign. Last evaluated: 2023-12-22. Review status: criteria provided, single submitter. Criteria: ACMG Guidelines, 2015. Collection method: clinical testing. Allele origin: germline. Observed: 31 variant alleles.
Comment: BA1, BS1, BP4, BP7

Athena Diagnostics
Classification: Benign. Last evaluated: 2023-12-06. Review status: criteria provided, single submitter. Criteria: Athena Diagnostics Criteria. Collection method: clinical testing. Allele origin: unknown.

Women's Health and Genetics/Laboratory Corporation of America, LabCorp
Classification: Benign. Last evaluated: 2023-07-29. Review status: criteria provided, single submitter. Criteria: LabCorp Variant Classification Summary - May 2015. Collection method: clinical testing. Allele origin: germline.

Fulgent Genetics
Classification: Likely benign for Spinocerebellar ataxia type 19/22; Brugada syndrome 9. Last evaluated: 2021-09-03. Review status: criteria provided, single submitter. Criteria: ACMG Guidelines, 2015. Collection method: clinical testing. Allele origin: unknown.

GeneDx
Classification: Benign. Last evaluated: 2016-10-11. Review status: criteria provided, single submitter. Criteria: GeneDx Variant Classification (06012015). Collection method: clinical testing. Allele origin: germline. Affected: yes.
Comment: This variant is considered likely benign or benign based on one or more of the following criteria: it is a conservative change, it occurs at a poorly conserved position in the protein, it is predicted to be benign by multiple in silico algorithms, and/or has population frequency not consistent with disease.

Ambry Genetics
Classification: Benign for Cardiovascular phenotype. Last evaluated: 2015-07-17. Review status: criteria provided, single submitter. Criteria: Ambry Variant Classification Scheme 2023. Collection method: clinical testing. Allele origin: germline.

Breakthrough Genomics
Classification: Benign. Review status: criteria provided, single submitter. Criteria: ACMG Guidelines, 2015. Collection method: not provided. Allele origin: germline. Inheritance: Autosomal dominant inheritance. Affected: yes.

Clinical Genetics DNA and cytogenetics Diagnostics Lab, Erasmus MC, Erasmus Medical Center
Classification: Benign. Review status: no assertion criteria provided. Collection method: clinical testing. Allele origin: germline. Affected: yes. Study: VKGL Data-share Consensus. Not counted in ClinVar's aggregate classification.

Clinical Genetics, Academic Medical Center
Classification: Benign. Review status: no assertion criteria provided. Collection method: clinical testing. Allele origin: germline. Affected: yes. Study: VKGL Data-share Consensus. Not counted in ClinVar's aggregate classification.

Literature cited by the submitters: PubMed 21703448 (cited by Athena Diagnostics); PubMed 15563876 (cited by Athena Diagnostics).